The following is an entry in ClinVar:

ClinVar aggregate classification (germline): Uncertain significance (1 of 4 stars; one submission).

Conditions:
Hereditary cancer-predisposing syndrome. Also called: Hereditary Cancer Syndrome; Hereditary neoplastic syndrome; Neoplastic Syndromes, Hereditary; Tumor predisposition. Identifiers: Orphanet 140162, MedGen C0027672, MeSH D009386, MONDO:0015356.

Submission:

Ambry Genetics
Classification: Uncertain significance for Hereditary cancer-predisposing syndrome. Last evaluated: 2022-07-19. Review status: criteria provided, single submitter. Criteria: Ambry Variant Classification Scheme 2023. Collection method: clinical testing. Allele origin: germline.
Comment: The p.S1389Y variant (also known as c.4166C>A), located in coding exon 15 of the APC gene, results from a C to A substitution at nucleotide position 4166. The serine at codon 1389 is replaced by tyrosine, an amino acid with dissimilar properties. This amino acid position is conserved. In addition, in silico predictors for this gene do not accurately predict pathogenicity. Since supporting evidence is limited at this time, the clinical significance of this alteration remains unclear.

NM_000038.6(APC):c.4166C>A (p.Ser1389Tyr)

Gene: APC (APC regulator of Wnt signaling pathway; plus strand). Cytogenetic location: 5q22.2.
Variant type: single nucleotide variant.
Coding change: c.4166C>A on transcript NM_000038.6 (MANE Select); coding-DNA position 4166, C replaced by A.
Protein change: p.Ser1389Tyr; replaces serine 1389 with tyrosine.
Molecular consequence: missense variant.
Genome position (GRCh38, 1-based): chr5:112,839,760, C>A. VCF-style: chr5-112839760-C-A. GRCh37 (hg19) VCF-style: chr5-112175457-C-A.
Other names: c.4166C>A, p.Ser1389Tyr (NM_001127510.3, NM_001354895.2, NM_001407450.1); c.4112C>A, p.Ser1371Tyr (NM_001127511.3); c.4220C>A, p.Ser1407Tyr (NM_001354896.2, NM_001407447.1, NM_001407448.1 and 1 more transcripts); c.4196C>A, p.Ser1399Tyr (NM_001354897.2); c.4091C>A, p.Ser1364Tyr (NM_001354898.2); c.4082C>A, p.Ser1361Tyr (NM_001354899.2); c.4043C>A, p.Ser1348Tyr (NM_001354900.2); c.3989C>A, p.Ser1330Tyr (NM_001354901.2, NM_001407453.1); and 11 more; short protein forms S1106Y, S1229Y, S1263Y, S1371Y, S1379Y, S1407Y, S1005Y, S1288Y.
Identifiers: ClinVar variation 1738372 (VCV001738372.2), dbSNP rs2149908026, ClinGen allele CA16030460.
Genomic context (GRCh38, chr5:112,839,760, plus strand): 5'-CCAAAAGTCCACCTGAACACTATGTTCAGGAGACCCCACTCATGTTTAGCAGATGTACTT[C>A]TGTCAGTTCACTTGATAGTTTTGAGAGTCGTTCGATTGCCAGCTCCGTTCAGAGTGAACC-3'
Protein context (NP_000029.2, residues 1379-1399): ETPLMFSRCT[Ser1389Tyr]VSSLDSFESR